The following is an entry in ClinVar:

NM_004813.4(PEX16):c.680G>A (p.Arg227Gln)

Gene: PEX16 (peroxisomal biogenesis factor 16; minus strand). Cytogenetic location: 11p11.2.
Variant type: single nucleotide variant.
Coding change: c.680G>A on transcript NM_004813.4 (MANE Select); coding-DNA position 680, G replaced by A.
Protein change: p.Arg227Gln; replaces arginine 227 with glutamine.
Molecular consequence: missense variant.
Genome position (GRCh38, 1-based): chr11:45,914,330, C>T on the plus strand (G>A on the coding strand, the complement: PEX16 is on the minus strand). VCF-style: chr11-45914330-C-T. GRCh37 (hg19) VCF-style: chr11-45935881-C-T.
Other names: c.680G>A, p.Arg227Gln (NM_057174.3); c.680G>A (NM_004813.2); short protein forms R227Q.
Identifiers: ClinVar variation 813887 (VCV000813887.4), dbSNP rs754024503, ClinGen allele CA5959878.

ClinVar aggregate classification (germline): Uncertain significance. Review status: criteria provided, multiple submitters, no conflicts (2 of 4 stars). 3 submissions from 3 submitters: Uncertain significance (2). 1 of the submissions does not count toward it. Last evaluated 2025-12-08.

Conditions:
Peroxisome biogenesis disorder 8A (Zellweger). Also called: Peroxisome biogenesis disorder 8A. Identifiers: Orphanet 912, MedGen C3553959, MONDO:0013942, OMIM 614876.
PEX16-related disorder. Also called: PEX16-related condition.

Allele frequency attached by ClinVar (database versions not stated): gnomAD exomes below 0.00001 and 0.00001; TOPMed below 0.00001; ExAC 0.00001; gnomAD 0.00001.
gnomAD v4.1: 21 of 1,612,878 alleles (0.0013%); highest among the groups gnomAD compares: Non-Finnish European, 0.0016%; no homozygotes.

Submissions (3):

3billion
Classification: Uncertain significance for PEX16-related disorder. Last evaluated: 2025-12-08. Review status: criteria provided, single submitter. Criteria: ACMG Guidelines, 2015. Collection method: clinical testing. Allele origin: germline. Affected: yes.
Comment: The variant is observed at an extremely low frequency in the gnomAD v4.1.0 dataset (total allele frequency: 0.001%). Predicted Consequence/Location: Missense variant. The majority of the known disease-causing variants of this gene are variants expected to result in premature termination of the protein. Damaging effect on gene or gene product predicted by in silico programs is uncertain [REVEL: 0.48 (damaging >=0.6, benign <0.4), 3Cnet: 0.00 (damaging >0.75, benign <0.1)]. Different missense changes at the same codon (p.Arg227Gly, p.Arg227Trp) have been reported as pathogenic/likely pathogenic with strong evidence (ClinVar ID: VCV000420154, VCV002502871 /PMID: 24091540). Therefore, this variant is classified as VUS according to the recommendation of ACMG/AMP guideline.

Broad Center for Mendelian Genomics, Broad Institute of MIT and Harvard
Classification: Uncertain significance for Peroxisome biogenesis disorder 8A (Zellweger). Last evaluated: 2018-12-03. Review status: criteria provided, single submitter. Criteria: ACMG Guidelines, 2015. Collection method: research. Allele origin: germline. Inheritance: Autosomal recessive inheritance. Affected: yes.
Comment: The homozygous p.Arg227Gln variant in PEX16 was identified by our study in two siblings with Peroxisome Biogenesis Disorder. A similar amino acid change has been reported in ClinVar as likely pathogenic previously (p.Arg227Trp), raising support for pathogenicity (ClinVar ID: 420154; PMID: 24091540). This variant has been identified in <0.01% (1/20846) of European (Finnish) chromosomes by the Genome Aggregation Database (gnomAD; dbSNP rs754024503). Although this variant has been seen in the general population, its frequency is low enough to be consistent with a recessive carrier frequency. Computational prediction tools and conservation analyses do not provide strong support for or against an impact to the protein. In summary, while there is some suspicion for a pathogenic role, the clinical significance of the p.Arg227Gln variant is uncertain.

PreventionGenetics, part of Exact Sciences
Classification: Uncertain significance for PEX16-related condition. Last evaluated: 2024-04-03. Review status: no assertion criteria provided. Collection method: clinical testing. Allele origin: germline. Not counted in ClinVar's aggregate classification.
Comment: The PEX16 c.680G>A variant is predicted to result in the amino acid substitution p.Arg227Gln. To our knowledge, this variant has not been reported in the literature. This variant is reported in 0.0048% of alleles in individuals of European (Finnish) descent in gnomAD. A different substitution at this amino acid position (p.Arg227Trp) has been reported in the compound heterozygous state along with a truncating variant as well as the homozygous state in patients with PEX16 related disorders (Ohba. 2013. PubMed ID: 24091540; Cheung. 2022. PubMed ID: 35106698). Although we suspect that this variant may be pathogenic, at this time, the clinical significance of this variant is uncertain due to the absence of conclusive functional and genetic evidence.

Literature cited by the submitters: PubMed 24091540 (cited by 3billion).